The following is an entry in ClinVar:

NM_000059.4(BRCA2):c.787A>C (p.Ser263Arg)

Gene: BRCA2 (BRCA2 DNA repair associated; plus strand). Cytogenetic location: 13q13.1.
Variant type: single nucleotide variant.
Coding change: c.787A>C on transcript NM_000059.4 (MANE Select); coding-DNA position 787, A replaced by C.
Protein change: p.Ser263Arg; replaces serine 263 with arginine.
Molecular consequence: missense variant.
Genome position (GRCh38, 1-based): chr13:32,331,024, A>C. VCF-style: chr13-32331024-A-C. GRCh37 (hg19) VCF-style: chr13-32905161-A-C.
Other names: c.787A>C, p.Ser263Arg (NM_001406719.1, NM_001406720.1, NM_001406721.1); c.418A>C, p.Ser140Arg (NM_001406722.1); short protein forms S140R, S263R.
Identifiers: ClinVar variation 1760982 (VCV001760982.7), dbSNP rs2137462310, ClinGen allele CA387760242.

ClinVar aggregate classification (germline): Conflicting classifications of pathogenicity. Review status: criteria provided, conflicting classifications (1 of 4 stars). 2 submissions from 2 submitters: Uncertain significance (1); Likely benign (1). Last evaluated 2023-12-05.

Conditions:
Hereditary cancer-predisposing syndrome. Also called: Neoplastic Syndromes, Hereditary; Tumor predisposition; Hereditary Cancer Syndrome; Hereditary neoplastic syndrome. Identifiers: Orphanet 140162, MedGen C0027672, MeSH D009386, MONDO:0015356.
Hereditary breast ovarian cancer syndrome. Also called: Hereditary breast and/or ovarian cancer syndrome; Hereditary breast and ovarian cancer syndrome; Breast and ovarian cancer; Hereditary breast and ovarian cancer; BRCA1- and BRCA2-Associated Hereditary Breast and Ovarian Cancer; Hereditary breast and ovarian cancer syndrome (HBOC). Identifiers: Orphanet 145, MedGen C0677776, MeSH D061325, MONDO:0003582. Disease mechanism: loss of function.

Submissions (2):

Ambry Genetics
Classification: Likely benign for Hereditary cancer-predisposing syndrome. Last evaluated: 2023-12-05. Review status: criteria provided, single submitter. Criteria: Ambry Variant Classification Scheme 2023. Collection method: clinical testing. Allele origin: germline.

Labcorp Genetics (formerly Invitae), Labcorp
Classification: Uncertain significance for Hereditary breast ovarian cancer syndrome. Last evaluated: 2022-04-21. Review status: criteria provided, single submitter. Criteria: Invitae Variant Classification Sherloc (09022015). Collection method: clinical testing. Allele origin: germline.
Comment: In summary, the available evidence is currently insufficient to determine the role of this variant in disease. Therefore, it has been classified as a Variant of Uncertain Significance. Advanced modeling of protein sequence and biophysical properties (such as structural, functional, and spatial information, amino acid conservation, physicochemical variation, residue mobility, and thermodynamic stability) performed at Invitae indicates that this missense variant is not expected to disrupt BRCA2 protein function. This variant has not been reported in the literature in individuals affected with BRCA2-related conditions. This variant is not present in population databases (gnomAD no frequency). This sequence change replaces serine, which is neutral and polar, with arginine, which is basic and polar, at codon 263 of the BRCA2 protein (p.Ser263Arg).